The following is an entry in ClinVar:

NM_000138.5(FBN1):c.57dup (p.Tyr20fs)

Genes: FBN1 (fibrillin 1; minus strand), LOC130057019 (ATAC-STARR-seq lymphoblastoid silent region 6417; plus strand). Cytogenetic location: 15q21.1.
Variant type: Duplication.
Coding change: c.57dup on transcript NM_000138.5 (MANE Select); coding-DNA position 57, one base duplicated (C; older notation c.57dupC).
Protein change: p.Tyr20fs; shifts the reading frame from tyrosine 20.
Molecular consequence: frameshift variant.
Genome position (GRCh38, 1-based): chr15:48,644,713, G duplicated on the plus strand (C on the coding strand, the reverse complement: FBN1 is on the minus strand); the first of 2 consecutive G bases (chr15:48,644,713-48,644,714); duplicating either gives the same sequence. VCF-style (leftmost placement, unchanged base first): chr15-48644712-A-AG. GRCh37 (hg19) VCF-style: chr15-48936909-A-AG.
Other names: c.57dup, p.Tyr20fs (NM_001406716.1, NM_001406717.1, NM_001406718.1); short protein forms Y20fs.
Identifiers: ClinVar variation 3074881 (VCV003074881.1), dbSNP rs2505822193, ClinGen allele CA2825002270.

ClinVar aggregate classification (germline): Pathogenic (1 of 4 stars; one submission).

Conditions:
Marfan syndrome (MFS). Also called: MARFAN SYNDROME, TYPE I; Marfan syndrome type 1; Marfan's syndrome; Marfan syndrome, classic; FBN1-Related Marfan Syndrome. Identifiers: Orphanet 284963, Orphanet 558, MedGen C0024796, MONDO:0007947, OMIM 154700.

Submission:

All of Us Research Program, National Institutes of Health
Classification: Pathogenic for Marfan syndrome. Last evaluated: 2023-12-18. Review status: criteria provided, single submitter. Criteria: ACMG Guidelines, 2015. Collection method: clinical testing. Allele origin: germline. Inheritance: Autosomal dominant inheritance. Observed: 1 variant allele, 1 heterozygote.
Comment: This variant causes a duplication of 1 nucleotide in exon 2 of the FBN1 gene, creating a frameshift and premature translation stop signal. This variant is expected to result in an absent or non-functional protein product. To our knowledge, this variant has not been reported in individuals affected with FBN1-related disorders in the literature. This variant has not been identified in the general population by the Genome Aggregation Database (gnomAD). Loss of FBN1 function is a known mechanism of disease. Based on the available evidence, this variant is classified as Pathogenic.

This study involves interpretation of variants in research participants for the purpose of population health screening. Participant phenotype was not available at the time of variant classification. Additional details can be found in publication PMID: 35346344, PMCID: PMC8962531